The following is an entry in ClinVar:

NM_003640.5(ELP1):c.740+5G>C

Gene: ELP1 (elongator acetyltransferase complex subunit 1; minus strand). Cytogenetic location: 9q31.3.
Variant type: single nucleotide variant.
Coding change: c.740+5G>C on transcript NM_003640.5 (MANE Select); 5 bases into the intron after coding-DNA position 740, G replaced by C.
Molecular consequence: intron variant.
Genome position (GRCh38, 1-based): chr9:108,918,806, C>G on the plus strand (G>C on the coding strand, the complement: ELP1 is on the minus strand). VCF-style: chr9-108918806-C-G. GRCh37 (hg19) VCF-style: chr9-111681086-C-G.
Other names: c.398+5G>C (NM_001318360.2); c.-307-1136G>C (NM_001330749.2).
Identifiers: ClinVar variation 1042533 (VCV001042533.4), dbSNP rs200291810, ClinGen allele CA197522878.

ClinVar aggregate classification (germline): Uncertain significance. Review status: criteria provided, multiple submitters, no conflicts (2 of 4 stars). 3 submissions from 3 submitters: Uncertain significance (2). 1 of the submissions does not count toward it. Last evaluated 2025-03-24.

Conditions:
Familial dysautonomia. Also called: HSAN III; FD. Identifiers: Orphanet 1764, MedGen C0013364, MONDO:0009131, OMIM 223900. Disease mechanism: loss of function.
ELP1-Associated Medulloblastoma. Identifiers: MedGen C5670652.

Allele frequency attached by ClinVar (database versions not stated): gnomAD 0.00001; gnomAD exomes 0.00001; TOPMed 0.00001.
gnomAD v4.1: 13 of 1,610,316 alleles (0.00081%); highest among the groups gnomAD compares: Non-Finnish European, 0.00085%; no homozygotes.

Submissions (3):

Institute for Genomic Medicine (IGM) Clinical Laboratory, Nationwide Children's Hospital
Classification: Uncertain significance for ELP1-Associated Medulloblastoma. Last evaluated: 2025-03-24. Review status: criteria provided, single submitter. Criteria: ACMG Guidelines, 2015. Collection method: clinical testing. Allele origin: germline.
Comment: This variant is absent from or present at an exceedingly low frequency in gnomAD, a large-scale control population database (ACMG/AMP: PM2). This variant is predicted to alter protein function or structure, or disrupt splicing by multiple in silico tools (ACMG/AMP: PP3).

Labcorp Genetics (formerly Invitae), Labcorp
Classification: Uncertain significance. Last evaluated: 2020-08-26. Review status: criteria provided, single submitter. Criteria: Invitae Variant Classification Sherloc (09022015). Collection method: clinical testing. Allele origin: germline.
Comment: This sequence change falls in intron 8 of the ELP1 gene. It does not directly change the encoded amino acid sequence of the ELP1 protein, but it affects a nucleotide within the consensus splice site of the intron. This variant is not present in population databases (ExAC no frequency). This variant has not been reported in the literature in individuals with ELP1-related conditions. Nucleotide substitutions within the consensus splice site are a relatively common cause of aberrant splicing (PMID: 17576681, 9536098). Algorithms developed to predict the effect of sequence changes on RNA splicing suggest that this variant may disrupt the consensus splice site, but this prediction has not been confirmed by published transcriptional studies. In summary, the available evidence is currently insufficient to determine the role of this variant in disease. Therefore, it has been classified as a Variant of Uncertain Significance.

Natera, Inc.
Classification: Uncertain significance for Familial dysautonomia. Last evaluated: 2020-08-27. Review status: no assertion criteria provided. Collection method: clinical testing. Allele origin: germline. Not counted in ClinVar's aggregate classification.

Literature cited by the submitters: PubMed 17576681 (cited by Labcorp Genetics (formerly Invitae), Labcorp); PubMed 9536098 (cited by Labcorp Genetics (formerly Invitae), Labcorp).